The following is an entry in ClinVar:

NM_015378.4(VPS13D):c.10503T>C (p.Ala3501=)

Gene: VPS13D (vacuolar protein sorting 13 homolog D; plus strand). Cytogenetic location: 1p36.22.
Variant type: single nucleotide variant.
Coding change: c.10503T>C on transcript NM_015378.4 (MANE Select); coding-DNA position 10503, T replaced by C.
Protein change: p.Ala3501=; no amino-acid change (alanine 3501 retained).
Molecular consequence: synonymous variant.
Genome position (GRCh38, 1-based): chr1:12,368,522, T>C. VCF-style: chr1-12368522-T-C. GRCh37 (hg19) VCF-style: chr1-12428577-T-C.
Other names: p.Ala3501=; c.10428T>C, p.Ala3476= (NM_018156.4).
Identifiers: ClinVar variation 2725040 (VCV002725040.4), dbSNP rs768503291, ClinGen allele CA603709.

ClinVar aggregate classification (germline): Likely benign. Review status: criteria provided, multiple submitters, no conflicts (2 of 4 stars). 2 submissions from 2 submitters: Likely benign (2). Last evaluated 2025-08-11.

Allele frequency attached by ClinVar (database versions not stated): TOPMed 0.00002.
gnomAD v4.1: 29 of 1,613,828 alleles (0.0018%); highest among the groups gnomAD compares: Middle Eastern, 0.016%; no homozygotes.

Submissions (2):

Mayo Clinic Laboratories, Mayo Clinic
Classification: Likely benign. Last evaluated: 2025-08-11. Review status: criteria provided, single submitter. Criteria: ACMG Guidelines, 2015. Collection method: clinical testing. Allele origin: germline. Observed: 1 variant allele.
Comment: BP4, BP7

Labcorp Genetics (formerly Invitae), Labcorp
Classification: Likely benign. Last evaluated: 2023-08-11. Review status: criteria provided, single submitter. Criteria: Invitae Variant Classification Sherloc (09022015). Collection method: clinical testing. Allele origin: germline.